The following is an entry in ClinVar:

NM_001035.3(RYR2):c.640G>A (p.Val214Met)

Gene: RYR2 (ryanodine receptor 2; plus strand). Cytogenetic location: 1q43.
Variant type: single nucleotide variant.
Coding change: c.640G>A on transcript NM_001035.3 (MANE Select); coding-DNA position 640, G replaced by A.
Protein change: p.Val214Met; replaces valine 214 with methionine.
Molecular consequence: missense variant.
Genome position (GRCh38, 1-based): chr1:237,387,344, G>A. VCF-style: chr1-237387344-G-A. GRCh37 (hg19) VCF-style: chr1-237550644-G-A.
Other names: c.640G>A, p.Val214Met (LRG_402t1); short protein forms V214M.
Identifiers: ClinVar variation 519528 (VCV000519528.11), dbSNP rs1036926941, ClinGen allele CA39775963.

ClinVar aggregate classification (germline): Uncertain significance. Review status: criteria provided, multiple submitters, no conflicts (2 of 4 stars). 5 submissions from 5 submitters: Uncertain significance (5). Last evaluated 2025-11-18.

Conditions:
Cardiovascular phenotype. Identifiers: MedGen CN230736.
Catecholaminergic polymorphic ventricular tachycardia (CVPT). Also called: Catecholamine-induced polymorphic ventricular tachycardia. Identifiers: Orphanet 3286, MedGen C5574922, MONDO:0017990.
Cardiomyopathy (CMYO). Also called: Cardiomyopathies. Identifiers: Orphanet 167848, MedGen C0878544, MONDO:0004994, HP:0001638. Inheritance: Various modes of inheritance.

Allele frequency attached by ClinVar (database versions not stated): gnomAD exomes below 0.00001; TOPMed 0.00001.
gnomAD v4.1: 5 of 1,613,862 alleles (0.00031%); highest among the groups gnomAD compares: South Asian, 0.0011%; no homozygotes.

Submissions (5):

Ambry Genetics
Classification: Uncertain significance for Cardiovascular phenotype. Last evaluated: 2025-11-18. Review status: criteria provided, single submitter. Criteria: Ambry Variant Classification Scheme 2023. Collection method: clinical testing. Allele origin: germline.
Comment: The p.V214M variant (also known as c.640G>A), located in coding exon 9 of the RYR2 gene, results from a G to A substitution at nucleotide position 640. The valine at codon 214 is replaced by methionine, an amino acid with highly similar properties. This amino acid position is well conserved in available vertebrate species. In addition, this alteration is predicted to be deleterious by in silico analysis. Based on the available evidence, the clinical significance of this variant remains unclear.

All of Us Research Program, National Institutes of Health
Classification: Uncertain significance for Catecholaminergic polymorphic ventricular tachycardia. Last evaluated: 2024-05-24. Review status: criteria provided, single submitter. Criteria: ACMG Guidelines, 2015. Collection method: clinical testing. Allele origin: germline. Inheritance: Autosomal dominant inheritance. Observed: 4 variant alleles, 4 heterozygotes.
Comment: This missense variant replaces valine with methionine at codon 214 of the RYR2 protein. Computational prediction suggests that this variant may have deleterious impact on protein structure and function (internally defined REVEL score threshold >= 0.7, PMID: 27666373). To our knowledge, functional studies have not been reported for this variant. This variant has not been reported in individuals affected with RYR2-related disorders in the literature. This variant has been identified in 1/249166 chromosomes in the general population by the Genome Aggregation Database (gnomAD). The available evidence is insufficient to determine the role of this variant in disease conclusively. Therefore, this variant is classified as a Variant of Uncertain Significance.

This study involves interpretation of variants in research participants for the purpose of population health screening. Participant phenotype was not available at the time of variant classification. Additional details can be found in publication PMID: 35346344, PMCID: PMC8962531

Color Diagnostics, LLC DBA Color Health
Classification: Uncertain significance for Cardiomyopathy. Last evaluated: 2024-03-06. Review status: criteria provided, single submitter. Criteria: ACMG Guidelines, 2015. Collection method: clinical testing. Allele origin: germline.
Comment: This missense variant replaces valine with methionine at codon 214 of the RYR2 protein. Computational prediction suggests that this variant may have deleterious impact on protein structure and function. To our knowledge, functional studies have not been reported for this variant. This variant has not been reported in individuals affected with RYR2-related disorders in the literature. This variant has been identified in 1/249166 chromosomes in the general population by the Genome Aggregation Database (gnomAD). The available evidence is insufficient to determine the role of this variant in disease conclusively. Therefore, this variant is classified as a Variant of Uncertain Significance.

Women's Health and Genetics/Laboratory Corporation of America, LabCorp
Classification: Uncertain significance. Last evaluated: 2023-10-12. Review status: criteria provided, single submitter. Criteria: LabCorp Variant Classification Summary - May 2015. Collection method: clinical testing. Allele origin: germline.
Comment: Variant summary: RYR2 c.640G>A (p.Val214Met) results in a conservative amino acid change located in the inositol 1,4,5-trisphosphate/ryanodine receptor domain (IPR014821) of the encoded protein sequence. Four of five in-silico tools predict a damaging effect of the variant on protein function. The variant allele was found at a frequency of 4e-06 in 249166 control chromosomes (gnomAD). The available data on variant occurrences in the general population are insufficient to allow any conclusion about variant significance. To our knowledge, no occurrence of c.640G>A in individuals affected with Catecholaminergic Polymorphic Ventricular Tachycardia or other RYR2-related disorders and no experimental evidence demonstrating its impact on protein function have been reported. Two submitters have cited clinical-significance assessments for this variant to ClinVar after 2014 and both classified the variant as uncertain significance. Based on the evidence outlined above, the variant was classified as uncertain significance.

AiLife Diagnostics
Classification: Uncertain significance. Last evaluated: 2021-08-31. Review status: criteria provided, single submitter. Criteria: ACMG Guidelines, 2015. Collection method: clinical testing. Allele origin: germline. Affected: yes. Observed: 1 variant allele.